The following is an entry in ClinVar:

NM_021831.6(AGBL5):c.1650C>G (p.Tyr550Ter)

Gene: AGBL5 (AGBL carboxypeptidase 5; plus strand). Cytogenetic location: 2p23.3.
Variant type: single nucleotide variant.
Coding change: c.1650C>G on transcript NM_021831.6 (MANE Select); coding-DNA position 1650, C replaced by G.
Protein change: p.Tyr550Ter; replaces tyrosine 550 with a stop codon.
Molecular consequence: nonsense. On other transcripts: non-coding transcript variant (2).
Genome position (GRCh38, 1-based): chr2:27,057,417, C>G. VCF-style: chr2-27057417-C-G. GRCh37 (hg19) VCF-style: chr2-27280285-C-G.
Other names: c.1650C>G, p.Tyr550Ter (NM_001035506.1, NM_001035507.3); short protein forms Y550*.
Identifiers: ClinVar variation 2101909 (VCV002101909.4), dbSNP rs1651267435, ClinGen allele CA346184346.

ClinVar aggregate classification (germline): Pathogenic (1 of 4 stars; one submission).

Submission:

Labcorp Genetics (formerly Invitae), Labcorp
Classification: Pathogenic. Last evaluated: 2022-02-22. Review status: criteria provided, single submitter. Criteria: Invitae Variant Classification Sherloc (09022015). Collection method: clinical testing. Allele origin: germline.
Comment: For these reasons, this variant has been classified as Pathogenic. This variant has not been reported in the literature in individuals affected with AGBL5-related conditions. This variant is not present in population databases (gnomAD no frequency). This sequence change creates a premature translational stop signal (p.Tyr550*) in the AGBL5 gene. It is expected to result in an absent or disrupted protein product. Loss-of-function variants in AGBL5 are known to be pathogenic (PMID: 27764769, 27842159).

Literature cited by the submitters: PubMed 27764769; PubMed 27842159.